The following is an entry in ClinVar:

ClinVar aggregate classification (germline): Uncertain significance. Review status: criteria provided, multiple submitters, no conflicts (2 of 4 stars). 2 submissions from 2 submitters: Uncertain significance (2). Last evaluated 2023-09-01.

Conditions:
Neuroblastoma, susceptibility to, 3. Also called: ALK-Related Neuroblastic Tumor Susceptibility. Identifiers: Orphanet 635, MedGen C2751681, MONDO:0013083, OMIM 613014.
Hereditary cancer-predisposing syndrome. Also called: Tumor predisposition; Neoplastic Syndromes, Hereditary; Hereditary Cancer Syndrome; Hereditary neoplastic syndrome. Identifiers: Orphanet 140162, MedGen C0027672, MeSH D009386, MONDO:0015356.

Submissions (2):

Ambry Genetics
Classification: Uncertain significance for Hereditary cancer-predisposing syndrome. Last evaluated: 2023-09-01. Review status: criteria provided, single submitter. Criteria: Ambry Variant Classification Scheme 2023. Collection method: clinical testing. Allele origin: germline.
Comment: The p.H682Y variant (also known as c.2044C>T), located in coding exon 12 of the ALK gene, results from a C to T substitution at nucleotide position 2044. The histidine at codon 682 is replaced by tyrosine, an amino acid with similar properties. This amino acid position is conserved. In addition, this alteration is predicted to be tolerated by in silico analysis. Since supporting evidence is limited at this time, the clinical significance of this alteration remains unclear.

Labcorp Genetics (formerly Invitae), Labcorp
Classification: Uncertain significance for Neuroblastoma, susceptibility to, 3. Last evaluated: 2023-02-16. Review status: criteria provided, single submitter. Criteria: Invitae Variant Classification Sherloc (09022015). Collection method: clinical testing. Allele origin: germline.
Comment: This sequence change replaces histidine, which is basic and polar, with tyrosine, which is neutral and polar, at codon 682 of the ALK protein (p.His682Tyr). This variant is not present in population databases (gnomAD no frequency). This variant has not been reported in the literature in individuals affected with ALK-related conditions. An algorithm developed to predict the effect of missense changes on protein structure and function (PolyPhen-2) suggests that this variant is likely to be disruptive. In summary, the available evidence is currently insufficient to determine the role of this variant in disease. Therefore, it has been classified as a Variant of Uncertain Significance.

NM_004304.5(ALK):c.2044C>T (p.His682Tyr)

Gene: ALK (ALK receptor tyrosine kinase; minus strand). Cytogenetic location: 2p23.2.
Variant type: single nucleotide variant.
Coding change: c.2044C>T on transcript NM_004304.5 (MANE Select); coding-DNA position 2044, C replaced by T.
Protein change: p.His682Tyr; replaces histidine 682 with tyrosine.
Molecular consequence: missense variant.
Genome position (GRCh38, 1-based): chr2:29,251,265, G>A on the plus strand (C>T on the coding strand, the complement: ALK is on the minus strand). VCF-style: chr2-29251265-G-A. GRCh37 (hg19) VCF-style: chr2-29474131-G-A.
Other names: short protein forms H682Y.
Identifiers: ClinVar variation 2586708 (VCV002586708.5), dbSNP rs1313368016, ClinGen allele CA346477252.
Genomic context (GRCh38, chr2:29,251,265, plus strand): 5'-TGCACTGTGCCTGGGTGGGGCCATGGGGCCCGCTGGCCCCACATGTGGTGAACAGCCAAT[G>A]AACTGTGGCACAAGAGGAGAGGCAGTCACTCATGTGGCCAGGCCCTCCCTCCTCCAGGGG-3'
Protein context (NP_004295.2, residues 672-692): RQTPIFDPTV[His682Tyr]WLFTTCGASG